The following is an entry in ClinVar:

NM_000722.4(CACNA2D1):c.1490T>C (p.Ile497Thr)

Gene: CACNA2D1 (calcium voltage-gated channel auxiliary subunit alpha2delta 1; minus strand). Cytogenetic location: 7q21.11.
Variant type: single nucleotide variant.
Coding change: c.1490T>C on transcript NM_000722.4 (MANE Select); coding-DNA position 1490, T replaced by C.
Protein change: p.Ile497Thr; replaces isoleucine 497 with threonine.
Molecular consequence: missense variant.
Genome position (GRCh38, 1-based): chr7:82,005,790, A>G on the plus strand (T>C on the coding strand, the complement: CACNA2D1 is on the minus strand). VCF-style: chr7-82005790-A-G. GRCh37 (hg19) VCF-style: chr7-81635106-A-G.
Other names: c.1490T>C, p.Ile497Thr (NM_001366867.1); short protein forms I497T.
Identifiers: ClinVar variation 4217934 (VCV004217934.1).
Genomic context (GRCh38, chr7:82,005,790, plus strand): 5'-TAGAAAGGGTATCAAAAGAGCAAATTTCATCTTACTGTAAAACGTGGTGTCAGTCTTTTA[A>G]TATCTTCCAAAGACACATCTACTCCCATCACACCAAGAATCAGCTGGTTCTATAATAAGA-3'
Protein context (NP_000713.2, residues 487-507): VMGVDVSLED[Ile497Thr]KRLTPRFTLC

ClinVar aggregate classification (germline): Uncertain significance (1 of 4 stars; one submission).

Conditions:
Cardiovascular phenotype. Identifiers: MedGen CN230736.

gnomAD v4.1: 1 of 1,608,128 alleles (0.000062%); highest among the groups gnomAD compares: Non-Finnish European, 0.000085%; no homozygotes.

Submission:

Ambry Genetics
Classification: Uncertain significance for Cardiovascular phenotype. Last evaluated: 2025-09-07. Review status: criteria provided, single submitter. Criteria: Ambry Variant Classification Scheme 2023. Collection method: clinical testing. Allele origin: germline.
Comment: The p.I497T variant (also known as c.1490T>C), located in coding exon 17 of the CACNA2D1 gene, results from a T to C substitution at nucleotide position 1490. The isoleucine at codon 497 is replaced by threonine, an amino acid with similar properties. This amino acid position is conserved. In addition, the in silico prediction for this alteration is inconclusive. Based on the available evidence, the clinical significance of this variant remains unclear.